The following is an entry in ClinVar:

ClinVar aggregate classification (germline): Pathogenic (1 of 4 stars; one submission).

Conditions:
DICER1-related tumor predisposition. Also called: DICER1 syndrome; DICER1-related pleuropulmonary blastoma cancer predisposition syndrome. Identifiers: Orphanet 284343, MedGen C3839822, MONDO:0100216.

Submission:

Labcorp Genetics (formerly Invitae), Labcorp
Classification: Pathogenic for DICER1-related tumor predisposition. Last evaluated: 2022-07-17. Review status: criteria provided, single submitter. Criteria: Invitae Variant Classification Sherloc (09022015). Collection method: clinical testing. Allele origin: germline.
Comment: For these reasons, this variant has been classified as Pathogenic. This variant has not been reported in the literature in individuals affected with DICER1-related conditions. This variant is not present in population databases (gnomAD no frequency). This sequence change creates a premature translational stop signal (p.Ser1664Ilefs*4) in the DICER1 gene. It is expected to result in an absent or disrupted protein product. Loss-of-function variants in DICER1 are known to be pathogenic (PMID: 19556464, 21266384).

Literature cited by the submitters: PubMed 19556464; PubMed 21266384.

NM_177438.3(DICER1):c.4988dup (p.Ser1664fs)

Gene: DICER1 (dicer 1, ribonuclease III; minus strand). Cytogenetic location: 14q32.13.
Variant type: Duplication.
Coding change: c.4988dup on transcript NM_177438.3 (MANE Select); coding-DNA position 4988, one base duplicated (T; older notation c.4988dupT).
Protein change: p.Ser1664fs; shifts the reading frame from serine 1664.
Molecular consequence: frameshift variant. On other transcripts: non-coding transcript variant (6).
Genome position (GRCh38, 1-based): chr14:95,095,932, A duplicated on the plus strand (T on the coding strand, the reverse complement: DICER1 is on the minus strand). VCF-style (leftmost placement, unchanged base first): chr14-95095931-T-TA. GRCh37 (hg19) VCF-style: chr14-95562268-T-TA.
Other names: c.4988dup, p.Ser1664fs (NM_001195573.1, NM_001271282.3, NM_001291628.2 and 12 more transcripts); c.4988dup, p.Ser1664Ilefs (NM_001395681.1); c.4706dup, p.Ser1570fs (NM_001395686.1); c.4583dup, p.Ser1529fs (NM_001395687.1, NM_001395688.1, NM_001395689.1 and 2 more transcripts); c.4421dup, p.Ser1475fs (NM_001395691.1); c.3305dup, p.Ser1103fs (NM_001395697.1); short protein forms S1664fs, S1475fs, S1529fs, S1103fs, S1570fs.
Identifiers: ClinVar variation 2017837 (VCV002017837.4), dbSNP rs2542478461, ClinGen allele CA2580088951.
Genomic context (GRCh38, chr14:95,095,931, plus strand): 5'-AAGGTAAGCCTTATTCTTGAATCTGTAGTTGATTTTCTTTTCAAAATTTTCAAACCCCGA[T>TA]ATAAGGTGATTCAGTGTTTTATCTGCATCTGGATGATCAAACATACATCTTGGTGGAATC-3'